The following is an entry in ClinVar:

NM_006348.5(COG5):c.2212G>T (p.Ala738Ser)

Gene: COG5 (component of oligomeric golgi complex 5; minus strand). Cytogenetic location: 7q22.3.
Variant type: single nucleotide variant.
Coding change: c.2212G>T on transcript NM_006348.5 (MANE Select); coding-DNA position 2212, G replaced by T.
Protein change: p.Ala738Ser; replaces alanine 738 with serine.
Molecular consequence: missense variant. On other transcripts: intron variant (1).
Genome position (GRCh38, 1-based): chr7:107,211,182, C>A on the plus strand (G>T on the coding strand, the complement: COG5 is on the minus strand). VCF-style: chr7-107211182-C-A. GRCh37 (hg19) VCF-style: chr7-106851627-C-A.
Other names: c.2212G>T, p.Ala738Ser (NM_001161520.2); c.2050G>T, p.Ala684Ser (NM_001379511.1); c.2038G>T, p.Ala680Ser (NM_001379512.1); c.1897G>T, p.Ala633Ser (NM_001379514.1); c.1642G>T, p.Ala548Ser (NM_001379515.1); c.1498G>T, p.Ala500Ser (NM_001379516.1); c.2149G>T, p.Ala717Ser (NM_181733.4); c.2169-7552G>T (NM_001379513.1); short protein forms A738S, A717S, A548S, A500S, A633S, A680S, A684S.
Identifiers: ClinVar variation 843024 (VCV000843024.9), dbSNP rs756618451, ClinGen allele CA368839929.
Genomic context (GRCh38, chr7:107,211,182, plus strand): 5'-CGGGTGCTCTCGTGAACAAAAACTGAATAATGATGCTGAACGGAATCACATCCCCCAATG[C>A]AGGACTACTGGCTACATGTTCACTTGCCTGGAAGAGCAGAGGTCTAGACGGGAAAAACAG-3'
Protein context (NP_006339.4, residues 728-748): QASEHVASSP[Ala738Ser]LGDVIPFSII

ClinVar aggregate classification (germline): Uncertain significance (1 of 4 stars; one submission).

Conditions:
COG5-congenital disorder of glycosylation. Also called: CDG IIi; COG5-CDG; CONGENITAL DISORDER OF GLYCOSYLATION, TYPE IIi. Identifiers: Orphanet 263487, MedGen C3150876, MONDO:0013325, OMIM 613612.

Allele frequency attached by ClinVar (database versions not stated): gnomAD 0.00001; TOPMed 0.00002.
gnomAD v4.1: 10 of 1,613,924 alleles (0.00062%); highest among the groups gnomAD compares: African/African-American, 0.0053%; no homozygotes.

Submission:

Labcorp Genetics (formerly Invitae), Labcorp
Classification: Uncertain significance for COG5-congenital disorder of glycosylation. Last evaluated: 2023-07-10. Review status: criteria provided, single submitter. Criteria: Invitae Variant Classification Sherloc (09022015). Collection method: clinical testing. Allele origin: germline.
Comment: In summary, the available evidence is currently insufficient to determine the role of this variant in disease. Therefore, it has been classified as a Variant of Uncertain Significance. An algorithm developed to predict the effect of missense changes on protein structure and function (PolyPhen-2) suggests that this variant is likely to be tolerated. ClinVar contains an entry for this variant (Variation ID: 843024). This variant has not been reported in the literature in individuals affected with COG5-related conditions. This variant is present in population databases (no rsID available, gnomAD 0.007%). This sequence change replaces alanine, which is neutral and non-polar, with serine, which is neutral and polar, at codon 769 of the COG5 protein (p.Ala769Ser).